The following is an entry in ClinVar:

ClinVar aggregate classification (germline): Uncertain significance (1 of 4 stars; one submission).

Conditions:
Inborn genetic diseases. Identifiers: MedGen C0950123, MeSH D030342.

Allele frequency attached by ClinVar (database versions not stated): gnomAD exomes below 0.00001; ExAC 0.00004.
gnomAD v4.1: 2 of 1,562,980 alleles (0.00013%); highest among the groups gnomAD compares: South Asian, 0.0012%; no homozygotes.

Submission:

Ambry Genetics
Classification: Uncertain significance for Inborn genetic diseases. Last evaluated: 2023-12-01. Review status: criteria provided, single submitter. Criteria: Ambry Variant Classification Scheme 2023. Collection method: clinical testing. Allele origin: germline.
Comment: The p.W438S variant (also known as c.1313G>C), located in coding exon 10 of the EPAS1 gene, results from a G to C substitution at nucleotide position 1313. The tryptophan at codon 438 is replaced by serine, an amino acid with highly dissimilar properties. This amino acid position is conserved. In addition, the in silico prediction for this alteration is inconclusive. Since supporting evidence is limited at this time, the clinical significance of this alteration remains unclear.

NM_001430.5(EPAS1):c.1313G>C (p.Trp438Ser)

Gene: EPAS1 (endothelial PAS domain protein 1; plus strand). Cytogenetic location: 2p21.
Variant type: single nucleotide variant.
Coding change: c.1313G>C on transcript NM_001430.5 (MANE Select); coding-DNA position 1313, G replaced by C.
Protein change: p.Trp438Ser; replaces tryptophan 438 with serine.
Molecular consequence: missense variant.
Genome position (GRCh38, 1-based): chr2:46,377,957, G>C. VCF-style: chr2-46377957-G-C. GRCh37 (hg19) VCF-style: chr2-46605096-G-C.
Other names: short protein forms W438S.
Identifiers: ClinVar variation 3221536 (VCV003221536.1), dbSNP rs779619422, ClinGen allele CA1644949.